The following is an entry in ClinVar:

NC_000006.11:g.(?_10764685)_(10764859_?)del

Gene: MAK (male germ cell associated kinase; minus strand). Cytogenetic location: 6p24.2.
Variant type: Deletion.
Identifiers: ClinVar variation 3246152 (VCV003246152.1).

ClinVar aggregate classification (germline): Uncertain significance (1 of 4 stars; one submission).

Submission:

Labcorp Genetics (formerly Invitae), Labcorp
Classification: Uncertain significance. Last evaluated: 2023-11-13. Review status: criteria provided, single submitter. Criteria: Invitae Variant Classification Sherloc (09022015). Collection method: clinical testing. Allele origin: unknown.
Comment: This variant is a gross deletion of the genomic region encompassing exon(s) 14 of the MAK gene, which includes the termination codon. This deletion extends beyond the assayed region for this gene and therefore may encompass additional genes. While this deletion is not anticipated to lead to nonsense mediated decay, it is expected to alter mRNA translation or result in a truncated protein product. A similar copy number variant has been observed in individual(s) with clinical features of MAK-related conditions (Invitae). Experimental studies and prediction algorithms are not available or were not evaluated, and the functional significance of this variant is currently unknown. In summary, the available evidence is currently insufficient to determine the role of this variant in disease. Therefore, it has been classified as a Variant of Uncertain Significance.